The following is an entry in ClinVar:

NM_006904.7(PRKDC):c.2740G>A (p.Val914Ile)

Gene: PRKDC (protein kinase, DNA-activated, catalytic subunit; minus strand). Cytogenetic location: 8q11.21.
Variant type: single nucleotide variant.
Coding change: c.2740G>A on transcript NM_006904.7 (MANE Select); coding-DNA position 2740, G replaced by A.
Protein change: p.Val914Ile; replaces valine 914 with isoleucine.
Molecular consequence: missense variant.
Genome position (GRCh38, 1-based): chr8:47,913,942, C>T on the plus strand (G>A on the coding strand, the complement: PRKDC is on the minus strand). VCF-style: chr8-47913942-C-T. GRCh37 (hg19) VCF-style: chr8-48826502-C-T.
Other names: c.2740G>A, p.Val914Ile (NM_001081640.2); short protein forms V914I.
Identifiers: ClinVar variation 2449893 (VCV002449893.2), dbSNP rs2551876854, ClinGen allele CA371159138.
Genomic context (GRCh38, chr8:47,913,942, plus strand): 5'-AAATGAAAAATAGAAGTACTTTAGTTTGTCTGTCACTGGCTGTGAGCGCTAATTCTGTGA[C>T]TCGAGGCAGGAACACATCCAGGAAAATGACAGGTTTCATCTCTCTAAAGGGCACTGCAAA-3'
Protein context (NP_008835.5, residues 904-924): VIFLDVFLPR[Val914Ile]TELALTASDR

ClinVar aggregate classification (germline): Uncertain significance (1 of 4 stars; one submission).

Submission:

Ambry Genetics
Classification: Uncertain significance. Last evaluated: 2023-02-24. Review status: criteria provided, single submitter. Criteria: Ambry Variant Classification Scheme 2023. Collection method: clinical testing. Allele origin: germline.
Comment: The p.V914I variant (also known as c.2740G>A), located in coding exon 24 of the PRKDC gene, results from a G to A substitution at nucleotide position 2740. The valine at codon 914 is replaced by isoleucine, an amino acid with highly similar properties. This amino acid position is conserved. In addition, this alteration is predicted to be tolerated by in silico analysis. Since supporting evidence is limited at this time, the clinical significance of this alteration remains unclear.